The following is an entry in ClinVar:

ClinVar aggregate classification (germline): Uncertain significance (0 of 4 stars; one submission).

Conditions:
MC4R-related disorder. Also called: MC4R-related condition.

gnomAD v4.1: 10 of 1,614,062 alleles (0.00062%); highest among the groups gnomAD compares: African/African-American, 0.013%; no homozygotes.

Submission:

PreventionGenetics, part of Exact Sciences
Classification: Uncertain significance for MC4R-related condition. Last evaluated: 2024-06-17. Review status: no assertion criteria provided. Collection method: clinical testing. Allele origin: germline.
Comment: The MC4R c.923A>T variant is predicted to result in the amino acid substitution p.Glu308Val. This variant was previously reported in two individuals with obesity (Namjou et al. 2021. PubMed ID: 32952152, see Table S2). A variant affecting the same codon (c.922G>A) resulting in a similar amino acid substitution (p.Glu308Lys) has been reported in obese individuals (Santini et al. 2004. PubMed ID: 14764812; Albayrak et al. 2011. PubMed ID: 21211528). However, the p.Glu308Lys variant has also been reported in non-obese family members (Santini et al. 2004. PubMed ID: 14764812) and in vitro functional characterization yielded conflicting results (Xiang et al. 2009. PubMed ID: 20462274; Santini et al. 2004. PubMed ID: 14764812). This variant is reported in 0.012% of alleles in individuals of African descent in gnomAD. At this time, the clinical significance of the c.923A>T (p.Glu308Val) variant is uncertain due to the absence of conclusive functional and genetic evidence.

NM_005912.3(MC4R):c.923A>T (p.Glu308Val)

Gene: MC4R (melanocortin 4 receptor; minus strand). Cytogenetic location: 18q21.32.
Variant type: single nucleotide variant.
Coding change: c.923A>T on transcript NM_005912.3 (MANE Select); coding-DNA position 923, A replaced by T.
Protein change: p.Glu308Val; replaces glutamic acid 308 with valine.
Molecular consequence: missense variant.
Genome position (GRCh38, 1-based): chr18:60,371,427, T>A on the plus strand (A>T on the coding strand, the complement: MC4R is on the minus strand). VCF-style: chr18-60371427-T-A. GRCh37 (hg19) VCF-style: chr18-58038660-T-A.
Other names: short protein forms E308V.
Identifiers: ClinVar variation 3350327 (VCV003350327.1).